The following is an entry in ClinVar:

NM_000219.6(KCNE1):c.65A>C (p.Gln22Pro)

Gene: KCNE1 (potassium voltage-gated channel subfamily E regulatory subunit 1; minus strand). Cytogenetic location: 21q22.12.
Variant type: single nucleotide variant.
Coding change: c.65A>C on transcript NM_000219.6 (MANE Select); coding-DNA position 65, A replaced by C.
Protein change: p.Gln22Pro; replaces glutamine 22 with proline.
Molecular consequence: missense variant.
Genome position (GRCh38, 1-based): chr21:34,449,570, T>G on the plus strand (A>C on the coding strand, the complement: KCNE1 is on the minus strand). VCF-style: chr21-34449570-T-G. GRCh37 (hg19) VCF-style: chr21-35821868-T-G.
Other names: c.65A>C, p.Gln22Pro (NM_001127668.4, NM_001127669.4, NM_001127670.4 and 4 more transcripts); short protein forms Q22P.
Identifiers: ClinVar variation 3373950 (VCV003373950.2).

Conditions:
Long QT syndrome 5 (LQT5). Identifiers: Orphanet 101016, Orphanet 768, MedGen C1867904, MONDO:0013372, OMIM 613695.

Submission:

Roden Lab, Vanderbilt University Medical Center
No classification provided (evidence only). Condition: Long QT syndrome 5. Review status: no classification provided. Collection method: in vitro. Allele origin: not applicable. Functional consequence: Effect on ion channel function.
ClinVar note: "not provided" was previously submitted as the classification for the variant. However, the classification appeared to be based only on an observation of functional data so it was converted to no classification on 2025-07-30.